The following is an entry in ClinVar:

ClinVar aggregate classification (germline): Uncertain significance (1 of 4 stars; one submission).

Conditions:
Baller-Gerold syndrome (BGS). Also called: CRANIOSYNOSTOSIS WITH RADIAL DEFECTS. Identifiers: Orphanet 1225, MedGen C0265308, MONDO:0009039, OMIM 218600.

Submission:

Labcorp Genetics (formerly Invitae), Labcorp
Classification: Uncertain significance for Baller-Gerold syndrome. Last evaluated: 2021-03-13. Review status: criteria provided, single submitter. Criteria: Invitae Variant Classification Sherloc (09022015). Collection method: clinical testing. Allele origin: germline.
Comment: In summary, the available evidence is currently insufficient to determine the role of this variant in disease. Therefore, it has been classified as a Variant of Uncertain Significance. Experimental studies and prediction algorithms are not available or were not evaluated, and the functional significance of this variant is currently unknown. This variant has not been reported in the literature in individuals with RECQL4-related conditions. This variant is not present in population databases (ExAC no frequency). This sequence change replaces histidine with glutamine at codon 932 of the RECQL4 protein (p.His932Gln). The histidine residue is weakly conserved and there is a small physicochemical difference between histidine and glutamine.

NM_004260.4(RECQL4):c.2796C>G (p.His932Gln)

Gene: RECQL4 (RecQ like helicase 4; minus strand). Cytogenetic location: 8q24.3.
Variant type: single nucleotide variant.
Coding change: c.2796C>G on transcript NM_004260.4 (MANE Select); coding-DNA position 2796, C replaced by G.
Protein change: p.His932Gln; replaces histidine 932 with glutamine.
Molecular consequence: missense variant.
Genome position (GRCh38, 1-based): chr8:144,512,731, G>C on the plus strand (C>G on the coding strand, the complement: RECQL4 is on the minus strand). VCF-style: chr8-144512731-G-C. GRCh37 (hg19) VCF-style: chr8-145738114-G-C.
Other names: short protein forms H932Q.
Identifiers: ClinVar variation 1036971 (VCV001036971.5), dbSNP rs1827484697, ClinGen allele CA372674419.